The following is an entry in ClinVar:

ClinVar aggregate classification (germline): Uncertain significance. Review status: criteria provided, multiple submitters, no conflicts (2 of 4 stars). 10 submissions from 10 submitters: Uncertain significance (9). 1 of the submissions does not count toward it. Last evaluated 2026-01-27.

Conditions:
PMS2-related disorder. Also called: PMS2-related condition.
Hereditary nonpolyposis colorectal neoplasms. Identifiers: MedGen C0009405, MeSH D003123.
Hereditary cancer-predisposing syndrome. Also called: Tumor predisposition; Neoplastic Syndromes, Hereditary; Hereditary neoplastic syndrome; Hereditary Cancer Syndrome. Identifiers: Orphanet 140162, MedGen C0027672, MeSH D009386, MONDO:0015356.
Lynch syndrome. Identifiers: Orphanet 144, MedGen C4552100, MONDO:0005835. Disease mechanism: loss of function.
Lynch syndrome 4 (LYNCH4). Also called: Colorectal cancer, hereditary nonpolyposis, type 4; Hereditary non-polyposis colorectal cancer, type 4. Identifiers: Orphanet 144, MedGen C1838333, MONDO:0013699, OMIM 614337. Disease mechanism: loss of function.

Allele frequency attached by ClinVar (database versions not stated): gnomAD 0.00001; TOPMed 0.00001.
gnomAD v4.1: 62 of 1,610,716 alleles (0.0038%); highest among the groups gnomAD compares: Non-Finnish European, 0.0053%; no homozygotes.

Submissions (10):

Labcorp Genetics (formerly Invitae), Labcorp
Classification: Uncertain significance for Hereditary nonpolyposis colorectal neoplasms. Last evaluated: 2026-01-27. Review status: criteria provided, single submitter. Criteria: Invitae Variant Classification Sherloc (09022015). Collection method: clinical testing. Allele origin: germline.
Comment: This sequence change replaces serine, which is neutral and polar, with arginine, which is basic and polar, at codon 36 of the PMS2 protein (p.Ser36Arg). This variant is not present in population databases (gnomAD no frequency). This variant has not been reported in the literature in individuals affected with PMS2-related conditions. ClinVar contains an entry for this variant (Variation ID: 141660). Invitae Evidence Modeling incorporating data from in vitro experimental studies (internal data) indicates that this missense variant is not expected to disrupt PMS2 function with a negative predictive value of 95%. Experimental studies have shown that this missense change does not substantially affect PMS2 function (PMID: 28494185). In summary, the available evidence is currently insufficient to determine the role of this variant in disease. Therefore, it has been classified as a Variant of Uncertain Significance.

PreventionGenetics, part of Exact Sciences
Classification: Uncertain significance for PMS2-related condition. Last evaluated: 2025-08-21. Review status: criteria provided, single submitter. Criteria: ACMG Guidelines, 2015. Collection method: clinical testing. Allele origin: germline.
Comment: The PMS2 c.106A>C variant is predicted to result in the amino acid substitution p.Ser36Arg. To our knowledge, this variant has not been reported in the literature in individuals with PMS2-associated conditions. Functional studies using cell lines showed this variant did not negatively impact protein function (Arora et al. 2017. PubMed ID: 28494185). This variant is not present in a large population database (gnomAD), indicating this variant is rare. This variant is interpreted as uncertain in ClinVar (Variation ID: 141660). At this time, the clinical significance of this variant is uncertain due to the absence of conclusive functional and genetic evidence.

Ambry Genetics
Classification: Uncertain significance for Hereditary cancer-predisposing syndrome. Last evaluated: 2024-06-07. Review status: criteria provided, single submitter. Criteria: Ambry Variant Classification Scheme 2023. Collection method: clinical testing. Allele origin: germline.
Comment: The p.S36R variant (also known as c.106A>C), located in coding exon 2 of the PMS2 gene, results from an A to C substitution at nucleotide position 106. The serine at codon 36 is replaced by arginine, an amino acid with dissimilar properties. This amino acid position is highly conserved in higher vertebrate species. In addition, the in silico prediction for this alteration is inconclusive. Since supporting evidence is limited at this time, the clinical significance of this alteration remains unclear.

All of Us Research Program, National Institutes of Health
Classification: Uncertain significance for Lynch syndrome. Last evaluated: 2023-12-01. Review status: criteria provided, single submitter. Criteria: ACMG Guidelines, 2015. Collection method: clinical testing. Allele origin: germline. Inheritance: Autosomal dominant inheritance. Observed: 3 variant alleles, 3 heterozygotes.
Comment: This missense variant replaces serine with arginine at codon 36 of the PMS2 protein. Computational prediction is inconclusive regarding the impact of this variant on protein structure and function (internally defined REVEL score threshold 0.5 < inconclusive < 0.7, PMID: 27666373). To our knowledge, functional studies have not been reported for this variant. This variant has not been reported in individuals affected with PMS2-related disorders in the literature. This variant has not been identified in the general population by the Genome Aggregation Database (gnomAD). The available evidence is insufficient to determine the role of this variant in disease conclusively. Therefore, this variant is classified as a Variant of Uncertain Significance.

This study involves interpretation of variants in research participants for the purpose of population health screening. Participant phenotype was not available at the time of variant classification. Additional details can be found in publication PMID: 35346344, PMCID: PMC8962531

Color Diagnostics, LLC DBA Color Health
Classification: Uncertain significance for Hereditary cancer-predisposing syndrome. Last evaluated: 2023-11-22. Review status: criteria provided, single submitter. Criteria: ACMG Guidelines, 2015. Collection method: clinical testing. Allele origin: germline.
Comment: This missense variant replaces serine with arginine at codon 36 of the PMS2 protein. Computational prediction is inconclusive regarding the impact of this variant on protein structure and function (internally defined REVEL score threshold 0.5 < inconclusive < 0.7, PMID: 27666373). A functional study reported this variant has no impact on expression, viability, or DNA damage response signaling compared to wild type PMS2 protein (PMID: 28494185). In a large breast cancer case-control study, this variant has been reported in 4/60466 cases and 0/53461 unaffected controls (PMID: 33471991). This variant has not been identified in the general population by the Genome Aggregation Database (gnomAD). The available evidence is insufficient to determine the role of this variant in disease conclusively. Therefore, this variant is classified as a Variant of Uncertain Significance.

Baylor Genetics
Classification: Uncertain significance for Lynch syndrome 4. Last evaluated: 2023-09-04. Review status: criteria provided, single submitter. Criteria: ACMG Guidelines, 2015. Collection method: clinical testing. Allele origin: unknown.

Myriad Genetics, Inc.
Classification: Uncertain significance for Lynch syndrome 4. Last evaluated: 2023-04-04. Review status: criteria provided, single submitter. Criteria: Myriad Autosomal Dominant, Autosomal Recessive and X-Linked Classification Criteria (2023). Collection method: clinical testing. Allele origin: unknown.
Comment: This variant is classified as a variant of uncertain significance as there is insufficient evidence to determine its impact on protein function and/or cancer risk.

GeneDx
Classification: Uncertain significance. Last evaluated: 2022-12-02. Review status: criteria provided, single submitter. Criteria: GeneDx Variant Classification Process June 2021. Collection method: clinical testing. Allele origin: germline. Affected: yes.
Comment: Not observed at significant frequency in large population cohorts (gnomAD); In silico analysis supports that this missense variant does not alter protein structure/function; Observed in individuals with breast cancer (Dorling et al., 2021); Published functional studies demonstrate no effect on PMS2 function (Arora et al., 2017); This variant is associated with the following publications: (PMID: 25848751, 11574484, 33471991, 28494185)

Sema4
Classification: Uncertain significance for Hereditary cancer-predisposing syndrome. Last evaluated: 2022-01-03. Review status: criteria provided, single submitter. Criteria: Sema4 Curation Guidelines. Collection method: curation. Allele origin: germline.
Comment: The PMS2 c.106A>C (p.S36R) variant has not been reported in the literature to our knowledge. It has been reported in 4 cases and not in controls in a large dataset of 60,466 women with breast cancer and 53,461 controls (PMID: 33471991). It was not observed in the large and broad cohorts of the Genome Aggregation Database (PMID: 32461654). This variant has been reported in ClinVar (Variation ID 141660). Functional studies have not been performed, and in silico predictions of the variant's effect on protein function are inconclusive. The evidence is insufficient to meet ACMG/AMP criteria for classifying the variant as benign or pathogenic. Thus, the clinical significance of this variant is currently uncertain.

Counsyl
Classification: Uncertain significance for Lynch syndrome 4. Last evaluated: 2017-06-08. Review status: no assertion criteria provided. Collection method: clinical testing. Allele origin: unknown. Not counted in ClinVar's aggregate classification.

Literature cited by the submitters: PubMed 28494185 (cited by 4 submitters); PubMed 33471991 (cited by Color Diagnostics, LLC DBA Color Health and Sema4).

NM_000535.7(PMS2):c.106A>C (p.Ser36Arg)

Gene: PMS2 (PMS1 homolog 2, mismatch repair system component; minus strand). Cytogenetic location: 7p22.1.
Variant type: single nucleotide variant.
Coding change: c.106A>C on transcript NM_000535.7 (MANE Select); coding-DNA position 106, A replaced by C.
Protein change: p.Ser36Arg; replaces serine 36 with arginine.
Molecular consequence: missense variant. On other transcripts: 5 prime UTR variant (8), non-coding transcript variant (1), intron variant (3).
Genome position (GRCh38, 1-based): chr7:6,005,949, T>G on the plus strand (A>C on the coding strand, the complement: PMS2 is on the minus strand). VCF-style: chr7-6005949-T-G. GRCh37 (hg19) VCF-style: chr7-6045580-T-G.
Other names: c.-300A>C (NM_001322003.2, NM_001322005.2, NM_001322009.2 and 1 more transcripts); c.106A>C, p.Ser36Arg (NM_001322006.2, NM_001322014.2); c.-110A>C (NM_001322007.2); c.-779A>C (NM_001322011.2, NM_001322012.2); c.-379A>C (NM_001322015.2); c.-52-1891A>C (NM_001322008.2); c.-242-1891A>C (NM_001322010.2, NM_001322004.2); short protein forms S36R.
Identifiers: ClinVar variation 141660 (VCV000141660.25), dbSNP rs587781918, ClinGen allele CA009161.